The following is an entry in ClinVar:

ClinVar aggregate classification (germline): Likely pathogenic (1 of 4 stars; one submission).

Conditions:
Osteogenesis imperfecta (OI). Identifiers: Orphanet 666, MedGen C0029434, MeSH D010013, MONDO:0019019.

Submission:

Women's Health and Genetics/Laboratory Corporation of America, LabCorp
Classification: Likely pathogenic for Osteogenesis imperfecta. Last evaluated: 2016-04-01. Review status: criteria provided, single submitter. Criteria: LabCorp Variant Classification Summary - May 2015. Collection method: clinical testing. Allele origin: germline.
Comment: Variant summary: The variant of interest causes a frameshift mutation and is predicted to have a "disease-causing" outcome by mutation taster. It is absent from the large and broad cohorts of the NHLBI-ES and ExAC projects and has not been reported in affected patients either. In vivo/vitro studies to describe the functional impact of the variant have not been published at the time of scoring. HGMD lists truncating variants downstream from the variant of interest (p.Q1129X, p.R1141X, p.Q1203X p.W1269X), with a classification of pathogenic indicating pathogenicity. Considering all evidence, the variant was classified as Likely Pathogenic.

NM_000088.4(COL1A1):c.2901_2902del (p.Gly968fs)

Gene: COL1A1 (collagen type I alpha 1 chain; minus strand). Cytogenetic location: 17q21.33.
Variant type: Microsatellite.
Coding change: c.2901_2902del on transcript NM_000088.4 (MANE Select); coding-DNA positions 2901 to 2902, 2 bases deleted (AG; older notation c.2901_2902delAG).
Protein change: p.Gly968fs; shifts the reading frame from glycine 968.
Molecular consequence: frameshift variant.
Genome position (GRCh38, 1-based): chr17:50,189,203-50,189,204, CT deleted on the plus strand (AG on the coding strand, the reverse complement: COL1A1 is on the minus strand); deleting any 2 consecutive bases within chr17:50,189,203-50,189,208 gives the same sequence; the c. name uses the placement nearest the transcript's 3' end. VCF-style (leftmost placement, unchanged base first): chr17-50189202-CCT-C. GRCh37 (hg19) VCF-style: chr17-48266563-CCT-C.
Other names: c.2901_2902delAG (NM_000088.3); short protein forms G968fs.
Identifiers: ClinVar variation 495538 (VCV000495538.1), dbSNP rs1555572406, ClinGen allele CA658684127.